The following is an entry in ClinVar:

NM_177438.3(DICER1):c.874G>T (p.Glu292Ter)

Gene: DICER1 (dicer 1, ribonuclease III; minus strand). Cytogenetic location: 14q32.13.
Variant type: single nucleotide variant.
Coding change: c.874G>T on transcript NM_177438.3 (MANE Select); coding-DNA position 874, G replaced by T.
Protein change: p.Glu292Ter; replaces glutamic acid 292 with a stop codon.
Molecular consequence: nonsense. On other transcripts: non-coding transcript variant (6), 5 prime UTR variant (1).
Genome position (GRCh38, 1-based): chr14:95,126,609, C>A on the plus strand (G>T on the coding strand, the complement: DICER1 is on the minus strand). VCF-style: chr14-95126609-C-A. GRCh37 (hg19) VCF-style: chr14-95592946-C-A.
Other names: c.874G>T, p.Glu292Ter (NM_001395700.1, NM_030621.4, NM_001195573.1 and 14 more transcripts); c.592G>T, p.Glu198Ter (NM_001395686.1); c.469G>T, p.Glu157Ter (NM_001395687.1, NM_001395688.1, NM_001395689.1 and 3 more transcripts); c.307G>T, p.Glu103Ter (NM_001395691.1); c.-695G>T (NM_001395697.1); short protein forms E292*, E103*, E157*, E198*.
Identifiers: ClinVar variation 4011637 (VCV004011637.1).

ClinVar aggregate classification (germline): Pathogenic (1 of 4 stars; one submission).

Conditions:
Hereditary cancer-predisposing syndrome. Also called: Tumor predisposition; Hereditary neoplastic syndrome; Neoplastic Syndromes, Hereditary; Hereditary Cancer Syndrome. Identifiers: Orphanet 140162, MedGen C0027672, MeSH D009386, MONDO:0015356.

Submission:

Ambry Genetics
Classification: Pathogenic for Hereditary cancer-predisposing syndrome. Last evaluated: 2025-05-12. Review status: criteria provided, single submitter. Criteria: Ambry Variant Classification Scheme 2023. Collection method: clinical testing. Allele origin: germline.
Comment: The p.E292* variant (also known as c.874G>T), located in coding exon 6 of the DICER1 gene, results from a G to T substitution at nucleotide position 874. This changes the amino acid from a glutamic acid to a stop codon within coding exon 6. This variant is considered to be rare based on population cohorts in the Genome Aggregation Database (gnomAD). This alteration is expected to result in loss of function by premature protein truncation or nonsense-mediated mRNA decay. As such, this alteration is interpreted as a disease-causing mutation.